The following is an entry in ClinVar:

ClinVar aggregate classification (germline): Uncertain significance (1 of 4 stars; one submission).

Conditions:
Regional enteritis. Also called: Enteritis, Granulomatous. Identifiers: MedGen C0678202, MeSH D003424.
Blau syndrome (BLAUS). Also called: ARTHROCUTANEOUVEAL GRANULOMATOSIS; GRANULOMATOSIS, FAMILIAL JUVENILE SYSTEMIC; GRANULOMATOSIS, FAMILIAL, BLAU TYPE; GRANULOMATOUS INFLAMMATORY ARTHRITIS, DERMATITIS, AND UVEITIS, FAMILIAL; JABS SYNDROME. Identifiers: Orphanet 90340, MedGen C5201146, MONDO:0008523, OMIM 186580.

Allele frequency attached by ClinVar (database versions not stated): gnomAD exomes below 0.00001; TOPMed below 0.00001; gnomAD 0.00001.

Submission:

Labcorp Genetics (formerly Invitae), Labcorp
Classification: Uncertain significance for Regional enteritis; Blau syndrome. Last evaluated: 2024-07-01. Review status: criteria provided, single submitter. Criteria: Invitae Variant Classification Sherloc (09022015). Collection method: clinical testing. Allele origin: germline.
Comment: This sequence change replaces cysteine, which is neutral and slightly polar, with tyrosine, which is neutral and polar, at codon 333 of the NOD2 protein (p.Cys333Tyr). This variant is present in population databases (no rsID available, gnomAD 0.0009%). This variant has not been reported in the literature in individuals affected with NOD2-related conditions. ClinVar contains an entry for this variant (Variation ID: 1059021). Advanced modeling of protein sequence and biophysical properties (such as structural, functional, and spatial information, amino acid conservation, physicochemical variation, residue mobility, and thermodynamic stability) performed at Invitae indicates that this missense variant is expected to disrupt NOD2 protein function with a positive predictive value of 80%. Experimental studies have shown that this missense change affects NOD2 function (PMID: 15044951). In summary, the available evidence is currently insufficient to determine the role of this variant in disease. Therefore, it has been classified as a Variant of Uncertain Significance.

Literature cited by the submitters: PubMed 15044951.

NM_001370466.1(NOD2):c.917G>A (p.Cys306Tyr)

Gene: NOD2 (nucleotide binding oligomerization domain containing 2; plus strand). Cytogenetic location: 16q12.1.
Variant type: single nucleotide variant.
Coding change: c.917G>A on transcript NM_001370466.1 (MANE Select); coding-DNA position 917, G replaced by A.
Protein change: p.Cys306Tyr; replaces cysteine 306 with tyrosine.
Molecular consequence: missense variant. On other transcripts: non-coding transcript variant (1).
Genome position (GRCh38, 1-based): chr16:50,710,909, G>A. VCF-style: chr16-50710909-G-A. GRCh37 (hg19) VCF-style: chr16-50744820-G-A.
Other names: c.917G>A, p.Cys306Tyr (NM_001293557.2); c.998G>A, p.Cys333Tyr (NM_022162.3); short protein forms C306Y, C333Y.
Identifiers: ClinVar variation 1059021 (VCV001059021.9), dbSNP rs1307391583, ClinGen allele CA395868015.